The following is an entry in ClinVar:

NM_000297.4(PKD2):c.2637_2646del (p.Val880fs)

Gene: PKD2 (polycystin 2, transient receptor potential cation channel; plus strand). Cytogenetic location: 4q22.1.
Variant type: Deletion.
Coding change: c.2637_2646del on transcript NM_000297.4 (MANE Select); coding-DNA positions 2637 to 2646, 10 bases deleted (GGTGCTGGGA; older notation c.2637_2646delGGTGCTGGGA).
Protein change: p.Val880fs; shifts the reading frame from valine 880.
Molecular consequence: frameshift variant. On other transcripts: non-coding transcript variant (1).
Genome position (GRCh38, 1-based): chr4:88,074,926-88,074,935, GGTGCTGGGA deleted; deleting any 10 consecutive bases within chr4:88,074,922-88,074,935 gives the same sequence; the c. name uses the placement nearest the transcript's 3' end. VCF-style (leftmost placement, unchanged base first): chr4-88074921-AGGGAGGTGCT-A. GRCh37 (hg19) VCF-style: chr4-88996073-AGGGAGGTGCT-A.
Other names: short protein forms V880fs.
Identifiers: ClinVar variation 3419213 (VCV003419213.1).

ClinVar aggregate classification (germline): Uncertain significance (1 of 4 stars; one submission).

Conditions:
Inborn genetic diseases. Identifiers: MedGen C0950123, MeSH D030342.

Submission:

Ambry Genetics
Classification: Uncertain significance for Inborn genetic diseases. Last evaluated: 2024-08-08. Review status: criteria provided, single submitter. Criteria: Ambry Variant Classification Scheme 2023. Collection method: clinical testing. Allele origin: germline.
Comment: Not expected to trigger nonsense-mediated mRNA decay Based on insufficient or conflicting evidence, the clinical significance of this alteration remains unclear.